The following is an entry in ClinVar:

NM_001005242.3(PKP2):c.1399_1408del (p.Ser467fs)

Gene: PKP2 (plakophilin 2; minus strand). Cytogenetic location: 12p11.21.
Variant type: Deletion.
Coding change: c.1399_1408del on transcript NM_001005242.3 (MANE Select); coding-DNA positions 1399 to 1408, 10 bases deleted (TCTAATGACA; older notation c.1399_1408delTCTAATGACA).
Protein change: p.Ser467fs; shifts the reading frame from serine 467.
Molecular consequence: frameshift variant.
Genome position (GRCh38, 1-based): chr12:32,841,176-32,841,185, TGTCATTAGA deleted on the plus strand (TCTAATGACA on the coding strand, the reverse complement: PKP2 is on the minus strand); deleting any 10 consecutive bases within chr12:32,841,176-32,841,187 gives the same sequence; the c. name uses the placement nearest the transcript's 3' end. VCF-style (leftmost placement, unchanged base first): chr12-32841175-TTGTCATTAGA-T. GRCh37 (hg19) VCF-style: chr12-32994109-TTGTCATTAGA-T.
Other names: c.1531_1540delTCTAATGACA (NM_004572.3); c.1531_1540del, p.Ser511fs (NM_004572.4); c.1531_1540del10 (NM_004572.3); short protein forms S467fs, S511fs.
Identifiers: ClinVar variation 202017 (VCV000202017.6), dbSNP rs794729125, ClinGen allele CA011118.

ClinVar aggregate classification (germline): Pathogenic. Review status: criteria provided, multiple submitters, no conflicts (2 of 4 stars). 3 submissions from 3 submitters: Pathogenic (3). Last evaluated 2026-04-07.

Conditions:
Cardiovascular phenotype. Identifiers: MedGen CN230736.
Arrhythmogenic right ventricular dysplasia 9 (ARVD9). Also called: Arrhythmogenic Right Ventricular Dysplasia/Cardiomyopathy 9; ARRHYTHMOGENIC RIGHT VENTRICULAR DYSPLASIA, FAMILIAL, 9. Identifiers: MedGen C1836906, MONDO:0012180, OMIM 609040.

Submissions (3):

Ambry Genetics
Classification: Pathogenic for Cardiovascular phenotype. Last evaluated: 2026-04-07. Review status: criteria provided, single submitter. Criteria: Ambry Variant Classification Scheme 2023. Collection method: clinical testing. Allele origin: germline.
Comment: The c.1531_1540del10 pathogenic mutation, located in coding exon 7 of the PKP2 gene, results from a deletion of 10 nucleotides at nucleotide positions 1531 to 1540, causing a translational frameshift with a predicted alternate stop codon (p.S511Nfs*6). This variant is considered to be rare based on population cohorts in the Genome Aggregation Database (gnomAD). This alteration is expected to result in loss of function by premature protein truncation or nonsense-mediated mRNA decay. As such, this alteration is interpreted as a disease-causing mutation.

Labcorp Genetics (formerly Invitae), Labcorp
Classification: Pathogenic for Arrhythmogenic right ventricular dysplasia 9. Last evaluated: 2025-04-28. Review status: criteria provided, single submitter. Criteria: Invitae Variant Classification Sherloc (09022015). Collection method: clinical testing. Allele origin: germline.
Comment: This sequence change creates a premature translational stop signal (p.Ser511Asnfs*6) in the PKP2 gene. It is expected to result in an absent or disrupted protein product. Loss-of-function variants in PKP2 are known to be pathogenic (PMID: 15489853, 17041889, 23911551). This variant is not present in population databases (gnomAD no frequency). This variant has not been reported in the literature in individuals affected with PKP2-related conditions. ClinVar contains an entry for this variant (Variation ID: 202017). For these reasons, this variant has been classified as Pathogenic.

GeneDx
Classification: Pathogenic. Last evaluated: 2014-02-11. Review status: criteria provided, single submitter. Criteria: GeneDx Variant Classification (06012015). Collection method: clinical testing. Allele origin: germline. Affected: yes.
Comment: c.1531_1540del10: p.Ser511AsnfsX6 (S511NfsX6) in exon 7 of the PKP2 gene. The normal sequence with the bases that are deleted in braces is: GTCA{TCTAATGACA}AACT. Although the c.1531_1540del10 mutation in the PKP2 gene has not been reported previously, this mutation causes a shift in reading frame starting at codon Serine 511, changing it to a Asparagine, and creating a premature stop codon at position 6 of the new reading frame. This mutation is expected to result in either an abnormal, truncated protein product or loss of protein from this allele through nonsense-mediated mRNA decay. Other frameshift mutations in the PKP2 gene have been reported in association with ARVC. The variant is found in PKP2 panel(s).

Literature cited by the submitters: PubMed 15489853 (cited by Labcorp Genetics (formerly Invitae), Labcorp); PubMed 17041889 (cited by Labcorp Genetics (formerly Invitae), Labcorp); PubMed 23911551 (cited by Labcorp Genetics (formerly Invitae), Labcorp).